The following is an entry in ClinVar:

NM_001673.5(ASNS):c.1610G>C (p.Trp537Ser)

Genes: ASNS (asparagine synthetase (glutamine-hydrolyzing); minus strand), CZ1P-ASNS (CZ1P-ASNS readthrough; minus strand). Cytogenetic location: 7q21.3.
Variant type: single nucleotide variant.
Coding change: c.1610G>C on transcript NM_001673.5 (MANE Select); coding-DNA position 1610, G replaced by C.
Protein change: p.Trp537Ser; replaces tryptophan 537 with serine.
Molecular consequence: missense variant. On other transcripts: non-coding transcript variant (1).
Genome position (GRCh38, 1-based): chr7:97,852,335, C>G on the plus strand (G>C on the coding strand, the complement: ASNS is on the minus strand). VCF-style: chr7-97852335-C-G. GRCh37 (hg19) VCF-style: chr7-97481647-C-G.
Other names: c.1547G>C, p.Trp516Ser (NM_001178075.2); c.1361G>C, p.Trp454Ser (NM_001178076.2, NM_001178077.1); c.1610G>C, p.Trp537Ser (NM_001352496.2, NM_133436.3, NM_183356.4); short protein forms W537S, W454S, W516S.
Identifiers: ClinVar variation 2039435 (VCV002039435.4), dbSNP rs752951804, ClinGen allele CA4354466.

ClinVar aggregate classification (germline): Uncertain significance (1 of 4 stars; one submission).

Allele frequency attached by ClinVar (database versions not stated): ExAC 0.00001.

Submission:

Labcorp Genetics (formerly Invitae), Labcorp
Classification: Uncertain significance. Last evaluated: 2022-09-27. Review status: criteria provided, single submitter. Criteria: Invitae Variant Classification Sherloc (09022015). Collection method: clinical testing. Allele origin: germline.
Comment: In summary, the available evidence is currently insufficient to determine the role of this variant in disease. Therefore, it has been classified as a Variant of Uncertain Significance. Advanced modeling of protein sequence and biophysical properties (such as structural, functional, and spatial information, amino acid conservation, physicochemical variation, residue mobility, and thermodynamic stability) performed at Invitae indicates that this missense variant is expected to disrupt ASNS protein function. This variant has not been reported in the literature in individuals affected with ASNS-related conditions. This variant is present in population databases (rs752951804, gnomAD 0.0009%). This sequence change replaces tryptophan, which is neutral and slightly polar, with serine, which is neutral and polar, at codon 537 of the ASNS protein (p.Trp537Ser).